The following is an entry in ClinVar:

ClinVar aggregate classification (germline): Uncertain significance (1 of 4 stars; one submission).

Allele frequency attached by ClinVar (database versions not stated): ExAC 0.00001; TOPMed 0.00001.
gnomAD v4.1: 18 of 1,614,196 alleles (0.0011%); highest among the groups gnomAD compares: Non-Finnish European, 0.0014%; no homozygotes.

Submission:

Labcorp Genetics (formerly Invitae), Labcorp
Classification: Uncertain significance. Last evaluated: 2022-01-04. Review status: criteria provided, single submitter. Criteria: Invitae Variant Classification Sherloc (09022015). Collection method: clinical testing. Allele origin: germline.
Comment: This sequence change replaces isoleucine, which is neutral and non-polar, with leucine, which is neutral and non-polar, at codon 1644 of the FAT4 protein (p.Ile1644Leu). This variant is present in population databases (rs754485366, gnomAD no frequency). This variant has not been reported in the literature in individuals affected with FAT4-related conditions. Advanced modeling of protein sequence and biophysical properties (such as structural, functional, and spatial information, amino acid conservation, physicochemical variation, residue mobility, and thermodynamic stability) performed at Invitae indicates that this missense variant is not expected to disrupt FAT4 protein function. In summary, the available evidence is currently insufficient to determine the role of this variant in disease. Therefore, it has been classified as a Variant of Uncertain Significance.

NM_001291303.3(FAT4):c.4930A>C (p.Ile1644Leu)

Gene: FAT4 (FAT atypical cadherin 4; plus strand). Cytogenetic location: 4q28.1.
Variant type: single nucleotide variant.
Coding change: c.4930A>C on transcript NM_001291303.3 (MANE Select); coding-DNA position 4930, A replaced by C.
Protein change: p.Ile1644Leu; replaces isoleucine 1644 with leucine.
Molecular consequence: missense variant.
Genome position (GRCh38, 1-based): chr4:125,321,341, A>C. VCF-style: chr4-125321341-A-C. GRCh37 (hg19) VCF-style: chr4-126242496-A-C.
Other names: c.4930A>C, p.Ile1644Leu (NM_001291285.3, NM_024582.6); short protein forms I1644L.
Identifiers: ClinVar variation 1907812 (VCV001907812.2), dbSNP rs754485366, ClinGen allele CA3072538.
Genomic context (GRCh38, chr4:125,321,341, plus strand): 5'-CTTGATGGACCTGTTTTTACTCAACCCAAATATATAACTATTTTGAAGGAAGGAGAACCC[A>C]TTGGCACAAACGTGATATCAATAGAAGCAGCTAGCCCCAGAGGATCTGAGGCCCCAGTGG-3'
Protein context (NP_001278232.1, residues 1634-1654): YITILKEGEP[Ile1644Leu]GTNVISIEAA